The following is an entry in ClinVar:

NM_001242896.3(DEPDC5):c.2387A>G (p.Gln796Arg)

Gene: DEPDC5 (DEP domain containing 5, GATOR1 subcomplex subunit; plus strand). Cytogenetic location: 22q12.3.
Variant type: single nucleotide variant.
Coding change: c.2387A>G on transcript NM_001242896.3 (MANE Select); coding-DNA position 2387, A replaced by G.
Protein change: p.Gln796Arg; replaces glutamine 796 with arginine.
Molecular consequence: missense variant. On other transcripts: non-coding transcript variant (5).
Genome position (GRCh38, 1-based): chr22:31,838,717, A>G. VCF-style: chr22-31838717-A-G. GRCh37 (hg19) VCF-style: chr22-32234703-A-G.
Other names: c.2360A>G, p.Gln787Arg (NM_001136029.4, NM_001369903.1, NM_014662.6); c.2153A>G, p.Gln718Arg (NM_001242897.2, NM_001363854.2, NM_001364319.2); c.2387A>G, p.Gln796Arg (NM_001363852.2, NM_001364318.2, NM_001364320.2); c.2303A>G, p.Gln768Arg (NM_001369901.1, NM_001369902.1); short protein forms Q718R, Q768R, Q787R, Q796R.
Identifiers: ClinVar variation 939738 (VCV000939738.9), dbSNP rs1219014589, ClinGen allele CA411286320.

ClinVar aggregate classification (germline): Uncertain significance (1 of 4 stars; one submission).

Conditions:
Familial focal epilepsy with variable foci (FPEVF). Identifiers: Orphanet 98820, MedGen C1858477, MONDO:0020310.

Allele frequency attached by ClinVar (database versions not stated): TOPMed below 0.00001; gnomAD 0.00001.
gnomAD v4.1: 2 of 1,614,074 alleles (0.00012%); highest among the groups gnomAD compares: Non-Finnish European, 0.00017%; no homozygotes.

Submission:

Labcorp Genetics (formerly Invitae), Labcorp
Classification: Uncertain significance for Familial focal epilepsy with variable foci. Last evaluated: 2019-09-06. Review status: criteria provided, single submitter. Criteria: Invitae Variant Classification Sherloc (09022015). Collection method: clinical testing. Allele origin: germline.
Comment: This sequence change replaces glutamine with arginine at codon 796 of the DEPDC5 protein (p.Gln796Arg). The glutamine residue is highly conserved and there is a small physicochemical difference between glutamine and arginine. This variant is not present in population databases (ExAC no frequency). In summary, the available evidence is currently insufficient to determine the role of this variant in disease. Therefore, it has been classified as a Variant of Uncertain Significance. Algorithms developed to predict the effect of missense changes on protein structure and function are either unavailable or do not agree on the potential impact of this missense change (SIFT: "Tolerated"; PolyPhen-2: "Not available "; Align-GVGD: "Class C0"). This variant has not been reported in the literature in individuals with DEPDC5-related conditions.